The following is an entry in ClinVar:

ClinVar aggregate classification (germline): Likely benign (1 of 4 stars; one submission).

Conditions:
ABCB11-related disorder. Also called: ABCB11-related condition.

gnomAD v4.1: 71 of 1,544,500 alleles (0.0046%); highest among the groups gnomAD compares: Non-Finnish European, 0.0055%; no homozygotes.

Submission:

PreventionGenetics, part of Exact Sciences
Classification: Likely benign for ABCB11-related condition. Last evaluated: 2024-12-11. Review status: criteria provided, single submitter. Criteria: ACMG Guidelines, 2015. Collection method: clinical testing. Allele origin: germline.
Comment: This variant is classified as likely benign based on ACMG/AMP sequence variant interpretation guidelines (Richards et al. 2015 PMID: 25741868, with internal and published modifications).

NM_003742.4(ABCB11):c.1308+4A>G

Gene: ABCB11 (ATP binding cassette subfamily B member 11; minus strand). Cytogenetic location: 2q31.1.
Variant type: single nucleotide variant.
Coding change: c.1308+4A>G on transcript NM_003742.4 (MANE Select); 4 bases into the intron after coding-DNA position 1308, A replaced by G.
Molecular consequence: intron variant.
Genome position (GRCh38, 1-based): chr2:168,976,573, T>C on the plus strand (A>G on the coding strand, the complement: ABCB11 is on the minus strand). VCF-style: chr2-168976573-T-C. GRCh37 (hg19) VCF-style: chr2-169833083-T-C.
Identifiers: ClinVar variation 4977531 (VCV004977531.1).